The following is an entry in ClinVar:

NM_024675.4(PALB2):c.1940A>G (p.His647Arg)

Gene: PALB2 (partner and localizer of BRCA2; minus strand). Cytogenetic location: 16p12.2.
Variant type: single nucleotide variant.
Coding change: c.1940A>G on transcript NM_024675.4 (MANE Select); coding-DNA position 1940, A replaced by G.
Protein change: p.His647Arg; replaces histidine 647 with arginine.
Molecular consequence: missense variant.
Genome position (GRCh38, 1-based): chr16:23,630,214, T>C on the plus strand (A>G on the coding strand, the complement: PALB2 is on the minus strand). VCF-style: chr16-23630214-T-C. GRCh37 (hg19) VCF-style: chr16-23641535-T-C.
Other names: short protein forms H647R.
Identifiers: ClinVar variation 492173 (VCV000492173.18), dbSNP rs1055533509, ClinGen allele CA279493224.
Genomic context (GRCh38, chr16:23,630,214, plus strand): 5'-TCTGTATCCATGCGTTTAGGACTCAGTTCCTCTGGAAAAATACAGCTTCCCTCTTTAAGA[T>C]GTCTCTCTCCAAACATTTTTGACTCAAAGGGCTCCACTGGTTTTTCTGAGCAGGACTTCA-3'
Protein context (NP_078951.2, residues 637-657): PFESKMFGER[His647Arg]LKEGSCIFPE

ClinVar aggregate classification (germline): Uncertain significance. Review status: criteria provided, multiple submitters, no conflicts (2 of 4 stars). 3 submissions from 3 submitters: Uncertain significance (3). Last evaluated 2024-11-05.

Conditions:
Familial cancer of breast. Also called: Hereditary breast cancer; hereditary breast carcinoma; BREAST CANCER, FAMILIAL. Identifiers: Orphanet 227535, MedGen C0346153, MONDO:0016419, OMIM 114480. Disease mechanism: loss of function.
Hereditary cancer-predisposing syndrome. Also called: Hereditary neoplastic syndrome; Tumor predisposition; Hereditary Cancer Syndrome; Neoplastic Syndromes, Hereditary. Identifiers: Orphanet 140162, MedGen C0027672, MeSH D009386, MONDO:0015356.

Submissions (3):

Ambry Genetics
Classification: Uncertain significance for Hereditary cancer-predisposing syndrome. Last evaluated: 2024-11-05. Review status: criteria provided, single submitter. Criteria: Ambry Variant Classification Scheme 2023. Collection method: clinical testing. Allele origin: germline.
Comment: The p.H647R variant (also known as c.1940A>G), located in coding exon 5 of the PALB2 gene, results from an A to G substitution at nucleotide position 1940. The histidine at codon 647 is replaced by arginine, an amino acid with highly similar properties. This amino acid position is poorly conserved in available vertebrate species. In addition, this alteration is predicted to be tolerated by in silico analysis. Since supporting evidence is limited at this time, the clinical significance of this alteration remains unclear.

Color Diagnostics, LLC DBA Color Health
Classification: Uncertain significance for Hereditary cancer-predisposing syndrome. Last evaluated: 2024-03-06. Review status: criteria provided, single submitter. Criteria: ACMG Guidelines, 2015. Collection method: clinical testing. Allele origin: germline.
Comment: This missense variant replaces histidine with arginine at codon 647 of the PALB2 protein. Computational prediction suggests that this variant may not impact protein structure and function (internally defined REVEL score threshold <= 0.5, PMID: 27666373). To our knowledge, functional studies have not been reported for this variant. This variant has not been reported in individuals affected with hereditary cancer in the literature. This variant has not been identified in the general population by the Genome Aggregation Database (gnomAD). The available evidence is insufficient to determine the role of this variant in disease conclusively. Therefore, this variant is classified as a Variant of Uncertain Significance.

Labcorp Genetics (formerly Invitae), Labcorp
Classification: Uncertain significance for Familial cancer of breast. Last evaluated: 2022-02-18. Review status: criteria provided, single submitter. Criteria: Invitae Variant Classification Sherloc (09022015). Collection method: clinical testing. Allele origin: germline.
Comment: In summary, the available evidence is currently insufficient to determine the role of this variant in disease. Therefore, it has been classified as a Variant of Uncertain Significance. Algorithms developed to predict the effect of missense changes on protein structure and function output the following: SIFT: "Tolerated"; PolyPhen-2: "Benign"; Align-GVGD: "Class C0". The arginine amino acid residue is found in multiple mammalian species, which suggests that this missense change does not adversely affect protein function. ClinVar contains an entry for this variant (Variation ID: 492173). This variant has not been reported in the literature in individuals affected with PALB2-related conditions. This variant is not present in population databases (gnomAD no frequency). This sequence change replaces histidine, which is basic and polar, with arginine, which is basic and polar, at codon 647 of the PALB2 protein (p.His647Arg).